The following is an entry in ClinVar:

NM_000059.4(BRCA2):c.7904A>C (p.Glu2635Ala)

Gene: BRCA2 (BRCA2 DNA repair associated; plus strand). Cytogenetic location: 13q13.1.
Variant type: single nucleotide variant.
Coding change: c.7904A>C on transcript NM_000059.4 (MANE Select); coding-DNA position 7904, A replaced by C.
Protein change: p.Glu2635Ala; replaces glutamic acid 2635 with alanine.
Molecular consequence: missense variant. On other transcripts: non-coding transcript variant (1).
Genome position (GRCh38, 1-based): chr13:32,362,621, A>C. VCF-style: chr13-32362621-A-C. GRCh37 (hg19) VCF-style: chr13-32936758-A-C.
Other names: c.7808A>C, p.Glu2603Ala (NM_001406719.1); c.7904A>C, p.Glu2635Ala (NM_001406720.1, NM_001432077.1); c.2972A>C, p.Glu991Ala (NM_001406721.1); c.1487A>C, p.Glu496Ala (NM_001406722.1); short protein forms E2603A, E2635A, E496A, E991A.
Identifiers: ClinVar variation 4215841 (VCV004215841.1).

ClinVar aggregate classification (germline): Uncertain significance (1 of 4 stars; one submission).

Conditions:
Hereditary cancer-predisposing syndrome. Also called: Hereditary Cancer Syndrome; Hereditary neoplastic syndrome; Neoplastic Syndromes, Hereditary; Tumor predisposition. Identifiers: Orphanet 140162, MedGen C0027672, MeSH D009386, MONDO:0015356.

Submission:

Ambry Genetics
Classification: Uncertain significance for Hereditary cancer-predisposing syndrome. Last evaluated: 2025-06-24. Review status: criteria provided, single submitter. Criteria: Ambry Variant Classification Scheme 2023. Collection method: clinical testing. Allele origin: germline.
Comment: The p.E2635A variant (also known as c.7904A>C), located in coding exon 16 of the BRCA2 gene, results from an A to C substitution at nucleotide position 7904. The glutamic acid at codon 2635 is replaced by alanine, an amino acid with dissimilar properties. This amino acid position is highly conserved in available vertebrate species. In addition, this alteration is predicted to be deleterious by in silico analysis. Based on the available evidence, the clinical significance of this variant remains unclear.